The following is an entry in ClinVar:

ClinVar aggregate classification (germline): Uncertain significance (1 of 4 stars; one submission).

Conditions:
Congenital disorder of glycosylation, type Iaa. Also called: Congenital disorder of glycosylation, type 1aa. Identifiers: MedGen C4310727, MONDO:0014904, OMIM 617082.

Submission:

Labcorp Genetics (formerly Invitae), Labcorp
Classification: Uncertain significance for Congenital disorder of glycosylation, type Iaa. Last evaluated: 2022-11-01. Review status: criteria provided, single submitter. Criteria: Invitae Variant Classification Sherloc (09022015). Collection method: clinical testing. Allele origin: germline.
Comment: In summary, the available evidence is currently insufficient to determine the role of this variant in disease. Therefore, it has been classified as a Variant of Uncertain Significance. Algorithms developed to predict the effect of missense changes on protein structure and function (SIFT, PolyPhen-2, Align-GVGD) all suggest that this variant is likely to be disruptive. This variant has not been reported in the literature in individuals affected with NUS1-related conditions. This variant is not present in population databases (gnomAD no frequency). This sequence change replaces glycine, which is neutral and non-polar, with glutamic acid, which is acidic and polar, at codon 292 of the NUS1 protein (p.Gly292Glu).

NM_138459.5(NUS1):c.875G>A (p.Gly292Glu)

Gene: NUS1 (NUS1 dehydrodolichyl diphosphate synthase subunit; plus strand). Cytogenetic location: 6q22.1.
Variant type: single nucleotide variant.
Coding change: c.875G>A on transcript NM_138459.5 (MANE Select); coding-DNA position 875, G replaced by A.
Protein change: p.Gly292Glu; replaces glycine 292 with glutamic acid.
Molecular consequence: missense variant.
Genome position (GRCh38, 1-based): chr6:117,707,008, G>A. VCF-style: chr6-117707008-G-A. GRCh37 (hg19) VCF-style: chr6-118028171-G-A.
Other names: short protein forms G292E.
Identifiers: ClinVar variation 2811327 (VCV002811327.3), dbSNP rs2482038040, ClinGen allele CA365537671.